The following is an entry in ClinVar:

ClinVar aggregate classification (germline): Uncertain significance (0 of 4 stars; one submission).

Submission:

ISCA site 1
Classification: Uncertain significance. Last evaluated: 2011-05-06. Review status: no assertion criteria provided. Collection method: clinical testing. Allele origin: paternal. Affected: yes. Observed: 1 variant allele.
Comment: Copy number variation identified through the course of routine clinical cytogenomic testing in postnatal populations. Clinical assertions have been curated as described in Kaminsky et al. 2011.

Copy number variation identified through the course of routine clinical cytogenomic testing in postnatal populations. Clinical assertions have been curated as described in Kaminsky, et al. 2011 (PubMed 21844811). For additional ClinGen data, please see nstd37.

GRCh38/hg38 7q21.3(chr7:93410151-93604672)x1

Genes: CALCR (calcitonin receptor; minus strand), MIR489 (microRNA 489; minus strand), MIR653 (microRNA 653; minus strand). Cytogenetic location: 7q21.3.
Variant type: copy number loss.
Change: copy number 1 (one copy instead of two) of chr7:93,410,151-93,604,672 (194.5 kb, GRCh38 coordinates, 1-based), cytogenetic band 7q21.3.
Identifiers: ClinVar variation 160866 (VCV000160866.2).